The following is an entry in ClinVar:

NM_006206.6(PDGFRA):c.479C>A (p.Thr160Asn)

Gene: PDGFRA (platelet derived growth factor receptor alpha; plus strand). Cytogenetic location: 4q12.
Variant type: single nucleotide variant.
Coding change: c.479C>A on transcript NM_006206.6 (MANE Select); coding-DNA position 479, C replaced by A.
Protein change: p.Thr160Asn; replaces threonine 160 with asparagine.
Molecular consequence: missense variant.
Genome position (GRCh38, 1-based): chr4:54,263,778, C>A. VCF-style: chr4-54263778-C-A. GRCh37 (hg19) VCF-style: chr4-55129945-C-A.
Other names: c.479C>A, p.Thr160Asn (NM_001347827.2, NM_001347829.2); c.554C>A, p.Thr185Asn (NM_001347828.2); c.518C>A, p.Thr173Asn (NM_001347830.2); short protein forms T185N, T160N, T173N.
Identifiers: ClinVar variation 657740 (VCV000657740.9), dbSNP rs1577709414, ClinGen allele CA356889910.

ClinVar aggregate classification (germline): Uncertain significance (1 of 4 stars; one submission).

Conditions:
Gastrointestinal stromal tumor. Also called: Gastrointestinal stromal tumor, somatic; Gastrointestinal stroma tumor. Identifiers: Orphanet 44890, MedGen C0238198, MeSH D046152, MONDO:0011719, OMIM 606764, HP:0100723.

Allele frequency attached by ClinVar (database versions not stated): TOPMed below 0.00001.

Submission:

Labcorp Genetics (formerly Invitae), Labcorp
Classification: Uncertain significance for Gastrointestinal stromal tumor. Last evaluated: 2022-05-27. Review status: criteria provided, single submitter. Criteria: Invitae Variant Classification Sherloc (09022015). Collection method: clinical testing. Allele origin: germline.
Comment: In summary, the available evidence is currently insufficient to determine the role of this variant in disease. Therefore, it has been classified as a Variant of Uncertain Significance. Algorithms developed to predict the effect of missense changes on protein structure and function are either unavailable or do not agree on the potential impact of this missense change (SIFT: "Tolerated"; PolyPhen-2: "Possibly Damaging"; Align-GVGD: "Class C0"). ClinVar contains an entry for this variant (Variation ID: 657740). This variant has not been reported in the literature in individuals affected with PDGFRA-related conditions. This variant is not present in population databases (gnomAD no frequency). This sequence change replaces threonine, which is neutral and polar, with asparagine, which is neutral and polar, at codon 160 of the PDGFRA protein (p.Thr160Asn).